The following is an entry in ClinVar:

ClinVar aggregate classification (germline): Uncertain significance (1 of 4 stars; one submission).

Submission:

GeneDx
Classification: Uncertain significance. Last evaluated: 2024-12-13. Review status: criteria provided, single submitter. Criteria: GeneDx Variant Classification Process June 2021. Collection method: clinical testing. Allele origin: germline. Affected: yes.
Comment: Not observed at significant frequency in large population cohorts (gnomAD); In silico analysis supports that this missense variant has a deleterious effect on protein structure/function; Has not been previously published as pathogenic or benign to our knowledge

NM_002246.3(KCNK3):c.46T>C (p.Phe16Leu)

Gene: KCNK3 (potassium two pore domain channel subfamily K member 3; plus strand). Cytogenetic location: 2p23.3.
Variant type: single nucleotide variant.
Coding change: c.46T>C on transcript NM_002246.3 (MANE Select); coding-DNA position 46, T replaced by C.
Protein change: p.Phe16Leu; replaces phenylalanine 16 with leucine.
Molecular consequence: missense variant.
Genome position (GRCh38, 1-based): chr2:26,692,921, T>C. VCF-style: chr2-26692921-T-C. GRCh37 (hg19) VCF-style: chr2-26915789-T-C.
Other names: short protein forms F16L.
Identifiers: ClinVar variation 3903077 (VCV003903077.1).